The following is an entry in ClinVar:

NM_000169.3(GLA):c.668G>C (p.Cys223Ser)

Genes: GLA (galactosidase alpha; minus strand), RPL36A-HNRNPH2 (RPL36A-HNRNPH2 readthrough; plus strand). Cytogenetic location: Xq22.1.
Variant type: single nucleotide variant.
Coding change: c.668G>C on transcript NM_000169.3 (MANE Select); coding-DNA position 668, G replaced by C.
Protein change: p.Cys223Ser; replaces cysteine 223 with serine.
Molecular consequence: missense variant. On other transcripts: non-coding transcript variant (3), intron variant (2).
Genome position (GRCh38, 1-based): chrX:101,398,918, C>G on the plus strand (G>C on the coding strand, the complement: GLA is on the minus strand). VCF-style: chrX-101398918-C-G. GRCh37 (hg19) VCF-style: chrX-100653906-C-G.
Other names: c.791G>C, p.Cys264Ser (NM_001406747.1); c.668G>C, p.Cys223Ser (NM_001406748.1); c.300+3461C>G (NM_001199973.2); c.177+7096C>G (NM_001199974.2); short protein forms C223S, C264S.
Identifiers: ClinVar variation 4087460 (VCV004087460.2).
Genomic context (GRCh38, chrX:101,398,918, plus strand): 5'-AAGATACTCTTTATACTTTTCCAGGAATCATCAATGTCAGCAAAATTTCGCCAGTGATTG[C>G]AGTACTGTCGGATTTCTGTATAATTGGGCTGTGAAAACAGATATGACTCTTCTGTTTACT-3'
Protein context (NP_000160.1, residues 213-233): KPNYTEIRQY[Cys223Ser]NHWRNFADID

ClinVar aggregate classification (germline): Pathogenic (1 of 4 stars; one submission).

Conditions:
Fabry disease. Also called: ALPHA-GALACTOSIDASE A DEFICIENCY; ANDERSON-FABRY DISEASE; CERAMIDE TRIHEXOSIDASE DEFICIENCY; GLA DEFICIENCY; HEREDITARY DYSTOPIC LIPIDOSIS; Angiokeratoma corporis diffusum. Identifiers: Orphanet 324, MedGen C0002986, MONDO:0010526, OMIM 301500, HP:0001071. Disease mechanism: Fabry disease is due to inactivating mutations in the X-linked GLA gene resulting in deficiency of the enzyme Alpha Galactosidase-A., loss of function.

Submission:

Genomenon, Inc
Classification: Pathogenic for Fabry disease. Last evaluated: 2026-09-08. Review status: criteria provided, single submitter. Criteria: Genomenon Sequence Variant Interpretation Standards - Updated. Collection method: curation. Allele origin: germline. Affected: yes.
Comment: GLA p.Cys223Ser (c.668G>C) is a missense variant that changes the amino acid at codon 223 from Cysteine to Serine. This variant has been observed in at least one proband with clinical features consistent with Fabry disease (PMID:31372342;29326878). The variant was found to segregate with disease in at least one affected family (PMID:29326878). At least one functional study has demonstrated a substantial alteration in protein function relative to the wild-type (PMID:26044846). This variant is located in a mutational hotspot and/or important functional domain. It is absent or not present at a significant frequency in gnomAD. In silico models predict that this variant is possibly or probably damaging. In conclusion, we classify GLA p.Cys223Ser (c.668G>C) as a pathogenic variant.

Literature cited by the submitters: PubMed 31372342; PubMed 29326878; PubMed 26044846.